The following is an entry in ClinVar:

ClinVar aggregate classification (germline): Uncertain significance (1 of 4 stars; one submission).

Conditions:
Cortical dysplasia-focal epilepsy syndrome (PTHSL1). Also called: Pitt-Hopkins-like syndrome 1. Identifiers: Orphanet 163681, Orphanet 221150, MedGen C2750246, MONDO:0012400, OMIM 610042.

Submission:

Labcorp Genetics (formerly Invitae), Labcorp
Classification: Uncertain significance for Cortical dysplasia-focal epilepsy syndrome. Last evaluated: 2021-04-24. Review status: criteria provided, single submitter. Criteria: Invitae Variant Classification Sherloc (09022015). Collection method: clinical testing. Allele origin: germline.
Comment: In summary, the available evidence is currently insufficient to determine the role of this variant in disease. Therefore, it has been classified as a Variant of Uncertain Significance. Algorithms developed to predict the effect of missense changes on protein structure and function are either unavailable or do not agree on the potential impact of this missense change (SIFT: "Deleterious"; PolyPhen-2: "Possibly Damaging"; Align-GVGD: "Class C0"). This variant has not been reported in the literature in individuals with CNTNAP2-related conditions. This variant is not present in population databases (ExAC no frequency). This sequence change replaces tyrosine with asparagine at codon 235 of the CNTNAP2 protein (p.Tyr235Asn). The tyrosine residue is moderately conserved and there is a large physicochemical difference between tyrosine and asparagine.

NM_014141.6(CNTNAP2):c.703T>A (p.Tyr235Asn)

Gene: CNTNAP2 (contactin associated protein 2; plus strand). Cytogenetic location: 7q35.
Variant type: single nucleotide variant.
Coding change: c.703T>A on transcript NM_014141.6 (MANE Select); coding-DNA position 703, T replaced by A.
Protein change: p.Tyr235Asn; replaces tyrosine 235 with asparagine.
Molecular consequence: missense variant.
Genome position (GRCh38, 1-based): chr7:147,108,299, T>A. VCF-style: chr7-147108299-T-A. GRCh37 (hg19) VCF-style: chr7-146805391-T-A.
Other names: short protein forms Y235N.
Identifiers: ClinVar variation 1485840 (VCV001485840.8), dbSNP rs2129279573, ClinGen allele CA369923258.
Genomic context (GRCh38, chr7:147,108,299, plus strand): 5'-AACTTTAAGACGTCTGAAAGTGAAGGAGTAATCCTGCACGGAGAAGGACAGCAAGGAGAT[T>A]ACATTACCTTGGAACTGAAAAAAGCCAAGCTGGTCCTCAGTTTAAACTTAGGTGTGTTCT-3'
Protein context (NP_054860.1, residues 225-245): ILHGEGQQGD[Tyr235Asn]ITLELKKAKL